The following is an entry in ClinVar:

NM_018960.6(GNMT):c.319G>A (p.Ala107Thr)

Genes: CNPY3-GNMT (CNPY3-GNMT readthrough; plus strand), GNMT (glycine N-methyltransferase; plus strand). Cytogenetic location: 6p21.1.
Variant type: single nucleotide variant.
Coding change: c.319G>A on transcript NM_018960.6 (MANE Select); coding-DNA position 319, G replaced by A.
Protein change: p.Ala107Thr; replaces alanine 107 with threonine.
Molecular consequence: missense variant. On other transcripts: non-coding transcript variant (2), intron variant (2).
Genome position (GRCh38, 1-based): chr6:42,962,324, G>A. VCF-style: chr6-42962324-G-A. GRCh37 (hg19) VCF-style: chr6-42930062-G-A.
Other names: c.121G>A, p.Ala41Thr (NM_001318856.2); c.319G>A, p.Ala107Thr (NM_001318865.2); c.152-438G>A (NM_001318857.2, NM_001318858.2); short protein forms A107T, A41T.
Identifiers: ClinVar variation 1642526 (VCV001642526.10), dbSNP rs535188125, ClinGen allele CA3810636.

ClinVar aggregate classification (germline): Benign. Review status: criteria provided, single submitter (1 of 4 stars). 2 submissions from 2 submitters: Benign (1). 1 of the submissions does not count toward it. Last evaluated 2025-11-25.

Conditions:
GNMT-related disorder. Also called: GNMT-related condition.

Allele frequency attached by ClinVar (database versions not stated): gnomAD 0.00003 and 0.00037; TOPMed 0.00009; gnomAD exomes 0.00070 and 0.00145; ExAC 0.00173; 1000 Genomes Project 30x 0.00344; 1000 Genomes Project 0.00379.

Submissions (2):

Labcorp Genetics (formerly Invitae), Labcorp
Classification: Benign. Last evaluated: 2025-11-25. Review status: criteria provided, single submitter. Criteria: Invitae Variant Classification Sherloc (09022015). Collection method: clinical testing. Allele origin: germline.

PreventionGenetics, part of Exact Sciences
Classification: Benign for GNMT-related condition. Last evaluated: 2019-04-30. Review status: no assertion criteria provided. Collection method: clinical testing. Allele origin: germline. Not counted in ClinVar's aggregate classification.
Comment: This variant is classified as benign based on ACMG/AMP sequence variant interpretation guidelines (Richards et al. 2015 PMID: 25741868, with internal and published modifications).